The following is an entry in ClinVar:

ClinVar aggregate classification (germline): Uncertain significance. Review status: criteria provided, multiple submitters, no conflicts (2 of 4 stars). 2 submissions from 2 submitters: Uncertain significance (2). Last evaluated 2023-12-09.

Conditions:
Nephronophthisis 16 (NPHP16). Identifiers: Orphanet 655, MedGen C3809320, MONDO:0014158, OMIM 615382.
Inborn genetic diseases. Identifiers: MedGen C0950123, MeSH D030342.

Allele frequency attached by ClinVar (database versions not stated): gnomAD exomes 0.00009 and 0.00016; gnomAD 0.00011; ExAC 0.00015; 1000 Genomes Project 30x 0.00016; ESP Exome Variant Server 0.00016; TOPMed 0.00018.
gnomAD v4.1: 156 of 1,614,118 alleles (0.0097%); highest among the groups gnomAD compares: Admixed American, 0.042%; no homozygotes.

Submissions (2):

Ambry Genetics
Classification: Uncertain significance for Inborn genetic diseases. Last evaluated: 2023-12-09. Review status: criteria provided, single submitter. Criteria: Ambry Variant Classification Scheme 2023. Collection method: clinical testing. Allele origin: germline.

Labcorp Genetics (formerly Invitae), Labcorp
Classification: Uncertain significance for Nephronophthisis 16. Last evaluated: 2021-08-25. Review status: criteria provided, single submitter. Criteria: Invitae Variant Classification Sherloc (09022015). Collection method: clinical testing. Allele origin: germline.
Comment: This sequence change replaces serine with proline at codon 510 of the ANKS6 protein (p.Ser510Pro). The serine residue is weakly conserved and there is a moderate physicochemical difference between serine and proline. This variant is present in population databases (rs201126816, ExAC 0.07%). This variant has not been reported in the literature in individuals affected with ANKS6-related conditions. Algorithms developed to predict the effect of missense changes on protein structure and function output the following: SIFT: "Tolerated"; PolyPhen-2: "Benign"; Align-GVGD: "Class C0". The proline amino acid residue is found in multiple mammalian species, which suggests that this missense change does not adversely affect protein function. In summary, the available evidence is currently insufficient to determine the role of this variant in disease. Therefore, it has been classified as a Variant of Uncertain Significance.

NM_173551.5(ANKS6):c.1528T>C (p.Ser510Pro)

Gene: ANKS6 (ankyrin repeat and sterile alpha motif domain containing 6; minus strand). Cytogenetic location: 9q22.33.
Variant type: single nucleotide variant.
Coding change: c.1528T>C on transcript NM_173551.5 (MANE Select); coding-DNA position 1528, T replaced by C.
Protein change: p.Ser510Pro; replaces serine 510 with proline.
Molecular consequence: missense variant.
Genome position (GRCh38, 1-based): chr9:98,778,265, A>G on the plus strand (T>C on the coding strand, the complement: ANKS6 is on the minus strand). VCF-style: chr9-98778265-A-G. GRCh37 (hg19) VCF-style: chr9-101540547-A-G.
Other names: c.1528T>C (NM_173551.3); short protein forms S510P.
Identifiers: ClinVar variation 958951 (VCV000958951.8), dbSNP rs201126816, ClinGen allele CA5153464.